The following is an entry in ClinVar:

ClinVar aggregate classification (germline): Pathogenic/Likely pathogenic. Review status: criteria provided, multiple submitters, no conflicts (2 of 4 stars). 2 submissions from 2 submitters: Pathogenic (1); Likely pathogenic (1). Last evaluated 2025-03-21.

Conditions:
Ehlers-Danlos syndrome due to tenascin-X deficiency (EDSCLL1). Also called: TNXB-Related Classical-Like Ehlers-Danlos Syndrome; TNX DEFICIENCY; EDS DUE TO TNX DEFICIENCY; EHLERS-DANLOS SYNDROME, CLASSIC-LIKE; Ehlers-Danlos syndrome, classic-like, 1. Identifiers: Orphanet 230839, MedGen C1848029, MONDO:0011670, OMIM 606408.
Vesicoureteral reflux 8 (VUR8). Identifiers: Orphanet 289365, MedGen C4014831, MONDO:0014422, OMIM 615963.

Submissions (2):

Myriad Genetics, Inc.
Classification: Pathogenic for Ehlers-Danlos syndrome due to tenascin-X deficiency. Last evaluated: 2025-03-21. Review status: criteria provided, single submitter. Criteria: Myriad Autosomal Dominant, Autosomal Recessive and X-Linked Classification Criteria (2023). Collection method: clinical testing. Allele origin: unknown.
Comment: NM_019105.6(TNXB):c.3303delG(Q1102Sfs*66) is expected to be pathogenic in the context of classical-like Ehlers-Danlos syndrome, TNXB-related. This variant is predicted to lead to an abnormal or absent protein product due to the creation of a premature termination codon in TNXB, a gene where loss-of-function variants are known to be pathogenic. Please note: this variant was assessed in the context of healthy population screening.

Fulgent Genetics
Classification: Likely pathogenic for Ehlers-Danlos syndrome due to tenascin-X deficiency; Vesicoureteral reflux 8. Last evaluated: 2024-02-27. Review status: criteria provided, single submitter. Criteria: ACMG Guidelines, 2015. Collection method: clinical testing. Allele origin: germline.

NM_001365276.2(TNXB):c.3303del (p.Gln1102fs)

Gene: TNXB (tenascin XB; minus strand). Cytogenetic location: 6p21.33.
Variant type: Deletion.
Coding change: c.3303del on transcript NM_001365276.2 (MANE Select); coding-DNA position 3303, one base deleted (G; older notation c.3303delG).
Protein change: p.Gln1102fs; shifts the reading frame from glutamine 1102.
Molecular consequence: frameshift variant.
Genome position (GRCh38, 1-based): chr6:32,084,555, C deleted on the plus strand (G on the coding strand, the reverse complement: TNXB is on the minus strand); the first of 3 consecutive C bases (chr6:32,084,555-32,084,557); deleting any one gives the same sequence. VCF-style (leftmost placement, unchanged base first): chr6-32084554-GC-G. GRCh37 (hg19) VCF-style: chr6-32052331-GC-G.
Other names: c.4044del, p.Gln1349fs (NM_001428335.1); c.3303del, p.Gln1102fs (NM_019105.8); short protein forms Q1102fs, Q1349fs.
Identifiers: ClinVar variation 3593473 (VCV003593473.2).